The following is an entry in ClinVar:

NM_000426.4(LAMA2):c.5235-3C>T

Gene: LAMA2 (laminin subunit alpha 2; plus strand). Cytogenetic location: 6q22.33.
Variant type: single nucleotide variant.
Coding change: c.5235-3C>T on transcript NM_000426.4 (MANE Select); 3 bases into the intron before coding-DNA position 5235, C replaced by T.
Molecular consequence: intron variant.
Genome position (GRCh38, 1-based): chr6:129,393,042, C>T. VCF-style: chr6-129393042-C-T. GRCh37 (hg19) VCF-style: chr6-129714187-C-T.
Other names: c.5235-3C>T (NM_001079823.2).
Identifiers: ClinVar variation 1359409 (VCV001359409.3), dbSNP rs761823344, ClinGen allele CA3993826.
Genomic context (GRCh38, chr6:129,393,042, plus strand): 5'-CCAATAAACCCTAAGGCAGTGACATGAGCTCATTGTCTATTATTGGGCTGGGGGTGGTTA[C>T]AGAGCTGCAGAAGCCCTTCTGAAAAAAGTGAAGAAGCTGTTTGGAGAGTCCCGGGGGGAA-3'

ClinVar aggregate classification (germline): Uncertain significance (1 of 4 stars; one submission).

Conditions:
LAMA2-related muscular dystrophy (LAMA2-RD). Also called: Laminin alpha 2-related dystrophy. Identifiers: MedGen C5679788, MONDO:0100228.

Allele frequency attached by ClinVar (database versions not stated): TOPMed below 0.00001; ExAC 0.00001; gnomAD 0.00001; gnomAD exomes 0.00001.
gnomAD v4.1: 11 of 1,612,164 alleles (0.00068%); highest among the groups gnomAD compares: East Asian, 0.0022%; no homozygotes.

Submission:

Labcorp Genetics (formerly Invitae), Labcorp
Classification: Uncertain significance for LAMA2-related muscular dystrophy. Last evaluated: 2022-09-13. Review status: criteria provided, single submitter. Criteria: Invitae Variant Classification Sherloc (09022015). Collection method: clinical testing. Allele origin: germline.
Comment: This sequence change falls in intron 36 of the LAMA2 gene. It does not directly change the encoded amino acid sequence of the LAMA2 protein. It affects a nucleotide within the consensus splice site. This variant is present in population databases (rs761823344, gnomAD 0.006%). This variant has not been reported in the literature in individuals affected with LAMA2-related conditions. ClinVar contains an entry for this variant (Variation ID: 1359409). Variants that disrupt the consensus splice site are a relatively common cause of aberrant splicing (PMID: 17576681, 9536098). Algorithms developed to predict the effect of sequence changes on RNA splicing suggest that this variant is not likely to affect RNA splicing. In summary, the available evidence is currently insufficient to determine the role of this variant in disease. Therefore, it has been classified as a Variant of Uncertain Significance.

Literature cited by the submitters: PubMed 17576681; PubMed 9536098.